The following is an entry in ClinVar:

NM_004614.5(TK2):c.*2221T>C

Gene: TK2 (thymidine kinase 2; minus strand). Cytogenetic location: 16q21.
Variant type: single nucleotide variant.
Coding change: c.*2221T>C on transcript NM_004614.5 (MANE Select); 2221 bases downstream of the stop codon, T replaced by C.
Molecular consequence: 3 prime UTR variant. On other transcripts: non-coding transcript variant (1).
Genome position (GRCh38, 1-based): chr16:66,509,747, A>G on the plus strand (T>C on the coding strand, the complement: TK2 is on the minus strand). VCF-style: chr16-66509747-A-G. GRCh37 (hg19) VCF-style: chr16-66543650-A-G.
Other names: c.*2221T>C (NM_001172643.1, NM_001172644.2, NM_001172645.2 and 2 more transcripts); c.*2316T>C (NM_001271935.1).
Identifiers: ClinVar variation 320127 (VCV000320127.6), dbSNP rs3743712, ClinGen allele CA10644054.

ClinVar aggregate classification (germline): Benign. Review status: criteria provided, multiple submitters, no conflicts (2 of 4 stars). 2 submissions from 2 submitters: Benign (2). Last evaluated 2018-01-13.

Conditions:
Mitochondrial DNA depletion syndrome, myopathic form (MTDPS2). Also called: MITOCHONDRIAL DNA DEPLETION SYNDROME 2 (MYOPATHIC TYPE); MITOCHONDRIAL DNA DEPLETION MYOPATHY, TK2-RELATED; TK2-Related Mitochondrial DNA Maintenance Defect, Myopathic Form. Identifiers: Orphanet 254875, MedGen C3149750, MONDO:0012301, OMIM 609560.

Allele frequency attached by ClinVar (database versions not stated): gnomAD exomes 0.04412; gnomAD 0.13149 and 0.13165; TOPMed 0.13981; 1000 Genomes Project 30x 0.18754; 1000 Genomes Project 0.18810.
gnomAD v4.1: 19,914 of 152,784 alleles (13%); highest among the groups gnomAD compares: African/African-American, 32%; 2,445 homozygotes.

Submissions (2):

Illumina Laboratory Services, Illumina
Classification: Benign for Mitochondrial DNA depletion syndrome, myopathic form. Last evaluated: 2018-01-13. Review status: criteria provided, single submitter. Criteria: ICSL Variant Classification Criteria 13 December 2019. Collection method: clinical testing. Allele origin: germline.
Comment: This variant was observed in the ICSL laboratory as part of a predisposition screen in an ostensibly healthy population. It had not been previously curated by ICSL or reported in the Human Gene Mutation Database (HGMD: prior to June 1st, 2018), and was therefore a candidate for classification through an automated scoring system. Utilizing variant allele frequency, disease prevalence and penetrance estimates, and inheritance mode, an automated score was calculated to assess if this variant is too frequent to cause the disease. Based on the score and internal cut-off values, a variant classified as benign is not then subjected to further curation. The score for this variant resulted in a classification of benign for this disease.

Breakthrough Genomics
Classification: Benign. Review status: criteria provided, single submitter. Criteria: ACMG Guidelines, 2015. Collection method: not provided. Allele origin: germline. Inheritance: Autosomal recessive inheritance. Affected: yes.